The following is an entry in ClinVar:

ClinVar aggregate classification (germline): Uncertain significance (1 of 4 stars; one submission).

Conditions:
Cardiovascular phenotype. Identifiers: MedGen CN230736.

Allele frequency attached by ClinVar (database versions not stated): ExAC 0.00001; TOPMed 0.00002; gnomAD 0.00003; ESP Exome Variant Server 0.00008.
gnomAD v4.1: 9 of 1,609,170 alleles (0.00056%); highest among the groups gnomAD compares: African/African-American, 0.004%; no homozygotes.

Submission:

Ambry Genetics
Classification: Uncertain significance for Cardiovascular phenotype. Last evaluated: 2022-12-12. Review status: criteria provided, single submitter. Criteria: Ambry Variant Classification Scheme 2023. Collection method: clinical testing. Allele origin: germline.
Comment: The p.R869Q variant (also known as c.2606G>A), located in coding exon 5 of the TNXB gene, results from a G to A substitution at nucleotide position 2606. The arginine at codon 869 is replaced by glutamine, an amino acid with highly similar properties. This amino acid position is conserved. In addition, this alteration is predicted to be tolerated by in silico analysis. Since supporting evidence is limited at this time, the clinical significance of this alteration remains unclear.

NM_001365276.2(TNXB):c.2606G>A (p.Arg869Gln)

Gene: TNXB (tenascin XB; minus strand). Cytogenetic location: 6p21.33.
Variant type: single nucleotide variant.
Coding change: c.2606G>A on transcript NM_001365276.2 (MANE Select); coding-DNA position 2606, G replaced by A.
Protein change: p.Arg869Gln; replaces arginine 869 with glutamine.
Molecular consequence: missense variant.
Genome position (GRCh38, 1-based): chr6:32,088,958, C>T on the plus strand (G>A on the coding strand, the complement: TNXB is on the minus strand). VCF-style: chr6-32088958-C-T. GRCh37 (hg19) VCF-style: chr6-32056735-C-T.
Other names: c.2606G>A, p.Arg869Gln (NM_019105.8); short protein forms R869Q.
Identifiers: ClinVar variation 2446953 (VCV002446953.2), dbSNP rs369269279, ClinGen allele CA3735449.